The following is an entry in ClinVar:

NM_000179.3(MSH6):c.3195_3198del (p.Asn1065fs)

Gene: MSH6 (mutS homolog 6; plus strand). Cytogenetic location: 2p16.3.
Variant type: Deletion.
Coding change: c.3195_3198del on transcript NM_000179.3 (MANE Select); coding-DNA positions 3195 to 3198, 4 bases deleted (CTAT; older notation c.3195_3198delCTAT).
Protein change: p.Asn1065fs; shifts the reading frame from asparagine 1065.
Molecular consequence: frameshift variant.
Genome position (GRCh38, 1-based): chr2:47,803,442-47,803,445, CTAT deleted. VCF-style (leftmost placement, unchanged base first): chr2-47803441-ACTAT-A. GRCh37 (hg19) VCF-style: chr2-48030580-ACTAT-A.
Other names: c.2805_2808del, p.Asn935fs (NM_001281492.2); c.2289_2292del, p.Asn763fs (NM_001281493.2, NM_001281494.2); short protein forms N935fs, N763fs.
Identifiers: ClinVar variation 89350 (VCV000089350.2), dbSNP rs267608085, ClinGen allele CA011835.

ClinVar aggregate classification (germline): Pathogenic (3 of 4 stars; one submission).

Conditions:
Lynch syndrome. Identifiers: Orphanet 144, MedGen C4552100, MONDO:0005835. Disease mechanism: loss of function.

Submission:

International Society for Gastrointestinal Hereditary Tumours (InSiGHT)
Classification: Pathogenic for Lynch Syndrome. Last evaluated: 2013-09-05. Review status: reviewed by expert panel. Criteria: Guidelines v1.9. Collection method: research. Allele origin: germline.
Comment: Coding sequence variation resulting in a stop codon

Classified with v1.9 guidelines